The following is an entry in ClinVar:

ClinVar aggregate classification (germline): Uncertain significance (1 of 4 stars; one submission).

gnomAD v4.1: 1 of 1,613,934 alleles (0.000062%); highest among the groups gnomAD compares: Non-Finnish European, 0.000085%; no homozygotes.

Submission:

GeneDx
Classification: Uncertain significance. Last evaluated: 2024-11-26. Review status: criteria provided, single submitter. Criteria: GeneDx Variant Classification Process June 2021. Collection method: clinical testing. Allele origin: germline. Affected: yes.
Comment: Not observed at significant frequency in large population cohorts (gnomAD); Has not been previously published as pathogenic or benign to our knowledge; In silico analysis is inconclusive as to whether the variant alters gene splicing. In the absence of RNA/functional studies, the actual effect of this sequence change is unknown.

NM_007254.4(PNKP):c.866-8T>G

Gene: PNKP (polynucleotide kinase 3'-phosphatase; minus strand). Cytogenetic location: 19q13.33.
Variant type: single nucleotide variant.
Coding change: c.866-8T>G on transcript NM_007254.4 (MANE Select); 8 bases into the intron before coding-DNA position 866, T replaced by G.
Molecular consequence: intron variant.
Genome position (GRCh38, 1-based): chr19:49,862,616, A>C on the plus strand (T>G on the coding strand, the complement: PNKP is on the minus strand). VCF-style: chr19-49862616-A-C. GRCh37 (hg19) VCF-style: chr19-50365873-A-C.
Identifiers: ClinVar variation 3900236 (VCV003900236.1).